The following is an entry in ClinVar:

NM_001103.4(ACTN2):c.1515+268C>T

Gene: ACTN2 (actinin alpha 2; plus strand). Cytogenetic location: 1q43.
Variant type: single nucleotide variant.
Coding change: c.1515+268C>T on transcript NM_001103.4 (MANE Select); 268 bases into the intron after coding-DNA position 1515, C replaced by T.
Molecular consequence: intron variant.
Genome position (GRCh38, 1-based): chr1:236,748,043, C>T. VCF-style: chr1-236748043-C-T. GRCh37 (hg19) VCF-style: chr1-236911343-C-T.
Other names: c.891+268C>T (NM_001278344.2); c.1515+268C>T (NM_001278343.2).
Identifiers: ClinVar variation 682668 (VCV000682668.2), dbSNP rs10802558, ClinGen allele CA10861459.

ClinVar aggregate classification (germline): Benign. Review status: criteria provided, multiple submitters, no conflicts (2 of 4 stars). 2 submissions from 2 submitters: Benign (2). Last evaluated 2018-06-19.

Allele frequency attached by ClinVar (database versions not stated): gnomAD 0.17838 and 0.18125; TOPMed 0.17939; gnomAD exomes 0.19643; 1000 Genomes Project 30x 0.20487; 1000 Genomes Project 0.20547.
gnomAD v4.1: 79,041 of 414,354 alleles (19%); highest among the groups gnomAD compares: South Asian, 24%; 7,815 homozygotes.

Submissions (2):

GeneDx
Classification: Benign. Last evaluated: 2018-06-19. Review status: criteria provided, single submitter. Criteria: GeneDx Variant Classification (06012015). Collection method: clinical testing. Allele origin: germline. Affected: yes.
Comment: This variant is considered likely benign or benign based on one or more of the following criteria: it is a conservative change, it occurs at a poorly conserved position in the protein, it is predicted to be benign by multiple in silico algorithms, and/or has population frequency not consistent with disease.

Breakthrough Genomics
Classification: Benign. Review status: criteria provided, single submitter. Criteria: ACMG Guidelines, 2015. Collection method: not provided. Allele origin: germline. Inheritance: Autosomal dominant inheritance. Affected: yes.